The following is an entry in ClinVar:

ClinVar aggregate classification (germline): Uncertain significance (1 of 4 stars; one submission).

gnomAD v4.1: 2 of 1,614,128 alleles (0.00012%); highest among the groups gnomAD compares: African/African-American, 0.0013%; no homozygotes.

Submission:

Labcorp Genetics (formerly Invitae), Labcorp
Classification: Uncertain significance. Last evaluated: 2023-08-28. Review status: criteria provided, single submitter. Criteria: Invitae Variant Classification Sherloc (09022015). Collection method: clinical testing. Allele origin: germline.
Comment: An algorithm developed to predict the effect of missense changes on protein structure and function (PolyPhen-2) suggests that this variant is likely to be tolerated. This sequence change replaces aspartic acid, which is acidic and polar, with glutamic acid, which is acidic and polar, at codon 156 of the ABHD12 protein (p.Asp156Glu). This variant is not present in population databases (gnomAD no frequency). This variant has not been reported in the literature in individuals affected with ABHD12-related conditions. ClinVar contains an entry for this variant (Variation ID: 1983117). In summary, the available evidence is currently insufficient to determine the role of this variant in disease. Therefore, it has been classified as a Variant of Uncertain Significance.

NM_001042472.3(ABHD12):c.468C>G (p.Asp156Glu)

Gene: ABHD12 (abhydrolase domain containing 12, lysophospholipase; minus strand). Cytogenetic location: 20p11.21.
Variant type: single nucleotide variant.
Coding change: c.468C>G on transcript NM_001042472.3 (MANE Select); coding-DNA position 468, C replaced by G.
Protein change: p.Asp156Glu; replaces aspartic acid 156 with glutamic acid.
Molecular consequence: missense variant.
Genome position (GRCh38, 1-based): chr20:25,320,273, G>C on the plus strand (C>G on the coding strand, the complement: ABHD12 is on the minus strand). VCF-style: chr20-25320273-G-C. GRCh37 (hg19) VCF-style: chr20-25300909-G-C.
Other names: c.468C>G, p.Asp156Glu (NM_015600.5); short protein forms D156E.
Identifiers: ClinVar variation 1983117 (VCV001983117.4), dbSNP rs773432339, ClinGen allele CA408457388.